The following is an entry in ClinVar:

ClinVar aggregate classification (germline): Likely pathogenic (1 of 4 stars; one submission).

Conditions:
Fanconi anemia complementation group E (FANCE). Also called: FANCE-Related Fanconi Anemia. Identifiers: Orphanet 84, MedGen C3160739, MONDO:0010953, OMIM 600901.

gnomAD v4.1: 2 of 1,613,978 alleles (0.00012%); highest among the groups gnomAD compares: South Asian, 0.0011%; no homozygotes.

Submission:

Labcorp Genetics (formerly Invitae), Labcorp
Classification: Likely pathogenic for Fanconi anemia complementation group E. Last evaluated: 2024-05-16. Review status: criteria provided, single submitter. Criteria: Invitae Variant Classification Sherloc (09022015). Collection method: clinical testing. Allele origin: germline.
Comment: This sequence change affects a donor splice site in intron 7 of the FANCE gene. It is expected to disrupt RNA splicing. Variants that disrupt the donor or acceptor splice site typically lead to a loss of protein function (PMID: 16199547), and loss-of-function variants in FANCE are known to be pathogenic (PMID: 11001585, 17924555). This variant is present in population databases (no rsID available, gnomAD 0.0009%). This variant has not been reported in the literature in individuals affected with FANCE-related conditions. Algorithms developed to predict the effect of sequence changes on RNA splicing suggest that this variant may disrupt the consensus splice site. In summary, the currently available evidence indicates that the variant is pathogenic, but additional data are needed to prove that conclusively. Therefore, this variant has been classified as Likely Pathogenic.

Literature cited by the submitters: PubMed 16199547; PubMed 11001585; PubMed 17924555.

NM_021922.3(FANCE):c.1316+1G>T

Gene: FANCE (FA complementation group E; plus strand). Cytogenetic location: 6p21.31.
Variant type: single nucleotide variant.
Coding change: c.1316+1G>T on transcript NM_021922.3 (MANE Select); the canonical splice donor site of the intron after coding-DNA position 1316, G replaced by T.
Molecular consequence: splice donor variant.
Genome position (GRCh38, 1-based): chr6:35,459,761, G>T. VCF-style: chr6-35459761-G-T. GRCh37 (hg19) VCF-style: chr6-35427538-G-T.
Other names: c.1316+1G>T (NM_001410876.1).
Identifiers: ClinVar variation 3649549 (VCV003649549.2).